The following is an entry in ClinVar:

NM_016148.5(SHANK1):c.3360C>T (p.Pro1120=)

Gene: SHANK1 (SH3 and multiple ankyrin repeat domains 1; minus strand). Cytogenetic location: 19q13.33.
Variant type: single nucleotide variant.
Coding change: c.3360C>T on transcript NM_016148.5 (MANE Select); coding-DNA position 3360, C replaced by T.
Protein change: p.Pro1120=; no amino-acid change (proline 1120 retained).
Molecular consequence: synonymous variant.
Genome position (GRCh38, 1-based): chr19:50,668,600, G>A on the plus strand (C>T on the coding strand, the complement: SHANK1 is on the minus strand). VCF-style: chr19-50668600-G-A. GRCh37 (hg19) VCF-style: chr19-51171857-G-A.
Identifiers: ClinVar variation 3059837 (VCV003059837.2), dbSNP rs3890180, ClinGen allele CA9601322.

ClinVar aggregate classification (germline): Benign (0 of 4 stars; one submission).

Conditions:
SHANK1-related disorder. Also called: SHANK1-related condition.

Allele frequency attached by ClinVar (database versions not stated): gnomAD exomes 0.11504; TOPMed 0.14095; gnomAD 0.14276; 1000 Genomes Project 0.14297; 1000 Genomes Project 30x 0.14413; ExAC 0.27167.
gnomAD v4.1: 161,989 of 1,365,304 alleles (12%); highest among the groups gnomAD compares: African/African-American, 22%; 10,374 homozygotes.

Submission:

PreventionGenetics, part of Exact Sciences
Classification: Benign for SHANK1-related condition. Last evaluated: 2021-07-23. Review status: no assertion criteria provided. Collection method: clinical testing. Allele origin: germline.
Comment: This variant is classified as benign based on ACMG/AMP sequence variant interpretation guidelines (Richards et al. 2015 PMID: 25741868, with internal and published modifications).